The following is an entry in ClinVar:

NM_005026.5(PIK3CD):c.1355T>C (p.Leu452Pro)

Genes: PIK3CD (phosphatidylinositol-4,5-bisphosphate 3-kinase catalytic subunit delta; plus strand), LOC126805612 (MED14-independent group 3 enhancer GRCh37_chr1:9778914-9780113; plus strand). Cytogenetic location: 1p36.22.
Variant type: single nucleotide variant.
Coding change: c.1355T>C on transcript NM_005026.5 (MANE Select); coding-DNA position 1355, T replaced by C.
Protein change: p.Leu452Pro; replaces leucine 452 with proline.
Molecular consequence: missense variant.
Genome position (GRCh38, 1-based): chr1:9,720,127, T>C. VCF-style: chr1-9720127-T-C. GRCh37 (hg19) VCF-style: chr1-9780185-T-C.
Other names: c.1355T>C, p.Leu452Pro (NM_001350234.2); c.1268T>C, p.Leu423Pro (NM_001350235.1); short protein forms L423P, L452P.
Identifiers: ClinVar variation 2115894 (VCV002115894.4), dbSNP rs2524995112, ClinGen allele CA338302701.
Genomic context (GRCh38, chr1:9,720,127, plus strand): 5'-AGATGCTGGTCACCCCTCTACAACTTCATCTGCCCCTGTGTTCAGATGAGAAGGGCGAGC[T>C]GCTGAACCCCACGGGCACTGTGCGCAGTAACCCCAACACGGATAGCGCCGCTGCCCTGCT-3'
Protein context (NP_005017.3, residues 442-462): WPSVPDEKGE[Leu452Pro]LNPTGTVRSN

ClinVar aggregate classification (germline): Uncertain significance (1 of 4 stars; one submission).

Conditions:
Immunodeficiency 14 (IMD14A). Also called: IMMUNODEFICIENCY 14A WITH LYMPHOPROLIFERATION, AUTOSOMAL DOMINANT; Activated PI3K Delta Syndrome Type 1 (APDS1); p110-DELTA-ACTIVATING MUTATION CAUSING SENESCENT T CELLS, LYMPHADENOPATHY, AND IMMUNODEFICIENCY; ACTIVATED PI3K-DELTA SYNDROME 1. Identifiers: Orphanet 397596, Orphanet 693661, MedGen C5907821, MONDO:0014222, OMIM 615513.

Submission:

Labcorp Genetics (formerly Invitae), Labcorp
Classification: Uncertain significance for Activated PI3K-delta syndrome. Last evaluated: 2022-03-23. Review status: criteria provided, single submitter. Criteria: Invitae Variant Classification Sherloc (09022015). Collection method: clinical testing. Allele origin: germline.
Comment: In summary, the available evidence is currently insufficient to determine the role of this variant in disease. Therefore, it has been classified as a Variant of Uncertain Significance. Algorithms developed to predict the effect of missense changes on protein structure and function are either unavailable or do not agree on the potential impact of this missense change (SIFT: "Deleterious"; PolyPhen-2: "Probably Damaging"; Align-GVGD: "Class C0"). This variant has not been reported in the literature in individuals affected with PIK3CD-related conditions. This variant is not present in population databases (gnomAD no frequency). This sequence change replaces leucine, which is neutral and non-polar, with proline, which is neutral and non-polar, at codon 452 of the PIK3CD protein (p.Leu452Pro).